The following is an entry in ClinVar:

NM_001042517.2(DIAPH3):c.2726A>G (p.Lys909Arg)

Gene: DIAPH3 (diaphanous related formin 3; minus strand). Cytogenetic location: 13q21.2.
Variant type: single nucleotide variant.
Coding change: c.2726A>G on transcript NM_001042517.2 (MANE Select); coding-DNA position 2726, A replaced by G.
Protein change: p.Lys909Arg; replaces lysine 909 with arginine.
Molecular consequence: missense variant.
Genome position (GRCh38, 1-based): chr13:59,861,418, T>C on the plus strand (A>G on the coding strand, the complement: DIAPH3 is on the minus strand). VCF-style: chr13-59861418-T-C. GRCh37 (hg19) VCF-style: chr13-60435552-T-C.
Other names: c.2693A>G, p.Lys898Arg (NM_001258366.2); c.2588A>G, p.Lys863Arg (NM_001258367.2); c.2516A>G, p.Lys839Arg (NM_001258368.2); c.2726A>G, p.Lys909Arg (NM_001258369.2); c.1937A>G, p.Lys646Arg (NM_001258370.2, NM_030932.4); short protein forms K646R, K839R, K909R, K863R, K898R.
Identifiers: ClinVar variation 1444199 (VCV001444199.7), dbSNP rs752800540, ClinGen allele CA6996318.

ClinVar aggregate classification (germline): Uncertain significance. Review status: criteria provided, multiple submitters, no conflicts (2 of 4 stars). 2 submissions from 2 submitters: Uncertain significance (2). Last evaluated 2025-02-04.

Allele frequency attached by ClinVar (database versions not stated): gnomAD exomes below 0.00001; ExAC 0.00001; gnomAD 0.00003 and 0.00004; TOPMed 0.00007.
gnomAD v4.1: 10 of 1,613,680 alleles (0.00062%); highest among the groups gnomAD compares: African/African-American, 0.013%; no homozygotes.

Submissions (2):

Women's Health and Genetics/Laboratory Corporation of America, LabCorp
Classification: Uncertain significance. Last evaluated: 2025-02-04. Review status: criteria provided, single submitter. Criteria: LabCorp Variant Classification Summary - May 2015. Collection method: clinical testing. Allele origin: germline.
Comment: Variant summary: DIAPH3 c.2726A>G (p.Lys909Arg) results in a conservative amino acid change located in the formin homology 2 domain (IPR015425) of the encoded protein sequence. Four of five in-silico tools predict a benign effect of the variant on protein function. The variant was absent in 249062 control chromosomes. The available data on variant occurrences in the general population are insufficient to allow any conclusion about variant significance. To our knowledge, no occurrence of c.2726A>G in individuals affected with Autosomal Dominant Auditory Neuropathy 1 and no experimental evidence demonstrating its impact on protein function have been reported. ClinVar contains an entry for this variant (Variation ID: 1444199). Based on the evidence outlined above, the variant was classified as uncertain significance.

Labcorp Genetics (formerly Invitae), Labcorp
Classification: Uncertain significance. Last evaluated: 2024-11-28. Review status: criteria provided, single submitter. Criteria: Invitae Variant Classification Sherloc (09022015). Collection method: clinical testing. Allele origin: germline.
Comment: This sequence change replaces lysine, which is basic and polar, with arginine, which is basic and polar, at codon 909 of the DIAPH3 protein (p.Lys909Arg). This variant is not present in population databases (gnomAD no frequency). This variant has not been reported in the literature in individuals affected with DIAPH3-related conditions. ClinVar contains an entry for this variant (Variation ID: 1444199). An algorithm developed to predict the effect of missense changes on protein structure and function (PolyPhen-2) suggests that this variant is likely to be disruptive. In summary, the available evidence is currently insufficient to determine the role of this variant in disease. Therefore, it has been classified as a Variant of Uncertain Significance.